The following is an entry in ClinVar:

ClinVar aggregate classification (germline): Uncertain significance (1 of 4 stars; one submission).

Submission:

Ambry Genetics
Classification: Uncertain significance. Last evaluated: 2022-06-01. Review status: criteria provided, single submitter. Criteria: Ambry Variant Classification Scheme 2023. Collection method: clinical testing. Allele origin: germline.
Comment: The p.K1193R variant (also known as c.3578A>G), located in coding exon 30 of the PRKDC gene, results from an A to G substitution at nucleotide position 3578. The lysine at codon 1193 is replaced by arginine, an amino acid with highly similar properties. This amino acid position is conserved. In addition, this alteration is predicted to be tolerated by in silico analysis. Since supporting evidence is limited at this time, the clinical significance of this alteration remains unclear.

NM_006904.7(PRKDC):c.3578A>G (p.Lys1193Arg)

Gene: PRKDC (protein kinase, DNA-activated, catalytic subunit; minus strand). Cytogenetic location: 8q11.21.
Variant type: single nucleotide variant.
Coding change: c.3578A>G on transcript NM_006904.7 (MANE Select); coding-DNA position 3578, A replaced by G.
Protein change: p.Lys1193Arg; replaces lysine 1193 with arginine.
Molecular consequence: missense variant.
Genome position (GRCh38, 1-based): chr8:47,897,181, T>C on the plus strand (A>G on the coding strand, the complement: PRKDC is on the minus strand). VCF-style: chr8-47897181-T-C. GRCh37 (hg19) VCF-style: chr8-48809741-T-C.
Other names: c.3578A>G, p.Lys1193Arg (NM_001081640.2); short protein forms K1193R.
Identifiers: ClinVar variation 1732842 (VCV001732842.2), dbSNP rs2551874771, ClinGen allele CA371153315.